The following is an entry in ClinVar:

NM_173531.4(ZNF100):c.813C>T (p.Asn271=)

Gene: ZNF100 (zinc finger protein 100; minus strand). Cytogenetic location: 19p12.
Variant type: single nucleotide variant.
Coding change: c.813C>T on transcript NM_173531.4 (MANE Select); coding-DNA position 813, C replaced by T.
Protein change: p.Asn271=; no amino-acid change (asparagine 271 retained).
Molecular consequence: synonymous variant.
Genome position (GRCh38, 1-based): chr19:21,727,499, G>A on the plus strand (C>T on the coding strand, the complement: ZNF100 is on the minus strand). VCF-style: chr19-21727499-G-A. GRCh37 (hg19) VCF-style: chr19-21910301-G-A.
Other names: c.810C>T, p.Asn270= (NM_001351669.2); c.714C>T, p.Asn238= (NM_001351670.2); c.510C>T, p.Asn170= (NM_001351671.2); c.168C>T, p.Asn56= (NM_001351672.2).
Identifiers: ClinVar variation 2649629 (VCV002649629.24), dbSNP rs1306847225, ClinGen allele CA506611679.

ClinVar aggregate classification (germline): Likely benign (1 of 4 stars; one submission).

Allele frequency attached by ClinVar (database versions not stated): gnomAD exomes below 0.00001.
gnomAD v4.1: 4 of 1,607,560 alleles (0.00025%); highest among the groups gnomAD compares: Non-Finnish European, 0.00026%; no homozygotes.

Submission:

CeGaT Center for Human Genetics Tuebingen
Classification: Likely benign. Last evaluated: 2026-08-01. Review status: criteria provided, single submitter. Criteria: CeGaT Center For Human Genetics Tuebingen Variant Classification Criteria Version 2. Collection method: clinical testing. Allele origin: germline. Affected: yes. Observed: 5 variant alleles.
Comment: ZNF100: BP4, BP7